The following is an entry in ClinVar:

ClinVar aggregate classification (germline): Uncertain significance. Review status: criteria provided, multiple submitters, no conflicts (2 of 4 stars). 2 submissions from 2 submitters: Uncertain significance (2). Last evaluated 2024-01-16.

Allele frequency attached by ClinVar (database versions not stated): ExAC 0.00002; gnomAD 0.00002; TOPMed 0.00003; gnomAD exomes 0.00005.
gnomAD v4.1: 71 of 1,608,950 alleles (0.0044%); highest among the groups gnomAD compares: Middle Eastern, 0.016%; no homozygotes.

Submissions (2):

Ambry Genetics
Classification: Uncertain significance. Last evaluated: 2024-01-16. Review status: criteria provided, single submitter. Criteria: Ambry Variant Classification Scheme 2023. Collection method: clinical testing. Allele origin: germline.

GeneDx
Classification: Uncertain significance. Last evaluated: 2023-11-27. Review status: criteria provided, single submitter. Criteria: GeneDx Variant Classification Process June 2021. Collection method: clinical testing. Allele origin: germline. Affected: yes.
Comment: In silico analysis supports that this missense variant does not alter protein structure/function; Has not been previously published as pathogenic or benign to our knowledge

NM_001080397.3(SLC45A1):c.673G>A (p.Ala225Thr)

Gene: SLC45A1 (solute carrier family 45 member 1; plus strand). Cytogenetic location: 1p36.23.
Variant type: single nucleotide variant.
Coding change: c.673G>A on transcript NM_001080397.3 (MANE Select); coding-DNA position 673, G replaced by A.
Protein change: p.Ala225Thr; replaces alanine 225 with threonine.
Molecular consequence: missense variant.
Genome position (GRCh38, 1-based): chr1:8,326,000, G>A. VCF-style: chr1-8326000-G-A. GRCh37 (hg19) VCF-style: chr1-8386060-G-A.
Other names: c.673G>A, p.Ala225Thr (NM_001379614.1); c.580G>A, p.Ala194Thr (NM_001379615.1, NM_001379616.1); c.67G>A, p.Ala23Thr (NM_001379617.1, NM_001379618.1); c.775G>A (NM_001080397.2); short protein forms A194T, A23T, A225T.
Identifiers: ClinVar variation 3164877 (VCV003164877.2), dbSNP rs749157979, ClinGen allele CA570160.